The following is an entry in ClinVar:

ClinVar aggregate classification (germline): Uncertain significance (1 of 4 stars; one submission).

Conditions:
Epilepsy, familial focal, with variable foci 1 (FFEVF1). Also called: DEPDC5-Related Epilepsy. Identifiers: MedGen C4551983, MONDO:0024556, OMIM 604364.

Submission:

Juno Genomics, Hangzhou Juno Genomics, Inc
Classification: Uncertain significance for Epilepsy, familial focal, with variable foci 1. Review status: criteria provided, single submitter. Criteria: ACMG Guidelines, 2015. Collection method: clinical testing. Allele origin: germline. Affected: yes.
Comment: Absent from controls (or at extremely low frequency if recessive) in Genome Aggregation Database, Exome Sequencing Project, 1000 Genomes Project, or Exome Aggregation Consortium.;Null variant in a gene where loss of function (LOF) is a known mechanism of disease.

NM_001242896.3(DEPDC5):c.946+2T>C

Gene: DEPDC5 (DEP domain containing 5, GATOR1 subcomplex subunit; plus strand). Cytogenetic location: 22q12.2.
Variant type: single nucleotide variant.
Coding change: c.946+2T>C on transcript NM_001242896.3 (MANE Select); the canonical splice donor site of the intron after coding-DNA position 946, T replaced by C.
Molecular consequence: splice donor variant.
Genome position (GRCh38, 1-based): chr22:31,798,658, T>C. VCF-style: chr22-31798658-T-C. GRCh37 (hg19) VCF-style: chr22-32194644-T-C.
Other names: c.946+2T>C (NM_001364318.2, NM_001136029.4, NM_014662.6 and 7 more transcripts); c.862+2T>C (NM_001369902.1, NM_001369901.1).
Identifiers: ClinVar variation 3382609 (VCV003382609.2).
Genomic context (GRCh38, chr22:31,798,658, plus strand): 5'-AGATAATTCTACCTCAGCACAAGGAAACTACCTGGAGGCCATCAATCTGTCATTCAATGG[T>C]GAGTAAGGATGCCGGCCATGAGCCAGCATCTTGCCTACCACATGGCTATGTTACCGGAAA-3'